The following is an entry in ClinVar:

NM_001127222.2(CACNA1A):c.6234C>T (p.Ser2078=)

Gene: CACNA1A (calcium voltage-gated channel subunit alpha1 A; minus strand). Cytogenetic location: 19p13.13.
Variant type: single nucleotide variant.
Coding change: c.6234C>T on transcript NM_001127222.2 (MANE Select); coding-DNA position 6234, C replaced by T.
Protein change: p.Ser2078=; no amino-acid change (serine 2078 retained).
Molecular consequence: synonymous variant.
Genome position (GRCh38, 1-based): chr19:13,212,172, G>A on the plus strand (C>T on the coding strand, the complement: CACNA1A is on the minus strand). VCF-style: chr19-13212172-G-A. GRCh37 (hg19) VCF-style: chr19-13322986-G-A.
Other names: c.6252C>T, p.Ser2084= (NM_000068.4, NM_023035.3); c.6237C>T, p.Ser2079= (NM_001127221.2); c.6243C>T, p.Ser2081= (NM_001174080.2).
Identifiers: ClinVar variation 507794 (VCV000507794.10), dbSNP rs758320697, ClinGen allele CA9239422.

ClinVar aggregate classification (germline): Conflicting classifications of pathogenicity. Review status: criteria provided, conflicting classifications (1 of 4 stars). 2 submissions from 2 submitters: Uncertain significance (1); Likely benign (1). Last evaluated 2026-01-24.

Conditions:
Developmental and epileptic encephalopathy, 42 (DEE42A). Also called: Epileptic encephalopathy, early infantile, 42; DEVELOPMENTAL AND EPILEPTIC ENCEPHALOPATHY 42A; EPILEPTIC ENCEPHALOPATHY, EARLY INFANTILE, 42A. Identifiers: MedGen C4310716, MONDO:0014917, OMIM 617106.
Episodic ataxia type 2 (EA2). Also called: ATAXIA, EPISODIC, WITH NYSTAGMUS; ATAXIA, FAMILIAL PAROXYSMAL; CEREBELLAR ATAXIA, PAROXYSMAL, ACETAZOLAMIDE-RESPONSIVE; CEREBELLOPATHY, HEREDITARY PAROXYSMAL; EPISODIC ATAXIA, NYSTAGMUS-ASSOCIATED; ACETAZOLAMIDE-RESPONSIVE HEREDITARY PAROXYSMAL CEREBELLAR ATAXIA. Identifiers: Orphanet 97, MedGen C1720416, MONDO:0007163, OMIM 108500.

Allele frequency attached by ClinVar (database versions not stated): ExAC 0.00001; gnomAD 0.00002; gnomAD exomes 0.00002; TOPMed 0.00003.
gnomAD v4.1: 13 of 1,613,790 alleles (0.00081%); highest among the groups gnomAD compares: Admixed American, 0.015%; no homozygotes.

Submissions (2):

Labcorp Genetics (formerly Invitae), Labcorp
Classification: Uncertain significance for Developmental and epileptic encephalopathy, 42; Episodic ataxia type 2. Last evaluated: 2026-01-24. Review status: criteria provided, single submitter. Criteria: Invitae Variant Classification Sherloc (09022015). Collection method: clinical testing. Allele origin: germline.
Comment: This sequence change affects codon 2079 of the CACNA1A mRNA. It is a 'silent' change, meaning that it does not change the encoded amino acid sequence of the CACNA1A protein. This variant is present in population databases (rs758320697, gnomAD 0.02%). This variant has not been reported in the literature in individuals affected with CACNA1A-related conditions. ClinVar contains an entry for this variant (Variation ID: 507794). Algorithms developed to predict the effect of sequence changes on RNA splicing suggest that this variant is not likely to affect RNA splicing. In summary, the available evidence is currently insufficient to determine the role of this variant in disease. Therefore, it has been classified as a Variant of Uncertain Significance.

GeneDx
Classification: Likely benign. Last evaluated: 2017-03-06. Review status: criteria provided, single submitter. Criteria: GeneDx Variant Classification (06012015). Collection method: clinical testing. Allele origin: germline. Affected: yes.
Comment: This variant is considered likely benign or benign based on one or more of the following criteria: it is a conservative change, it occurs at a poorly conserved position in the protein, it is predicted to be benign by multiple in silico algorithms, and/or has population frequency not consistent with disease.